The following is an entry in ClinVar:

NM_004385.5(VCAN):c.7309G>A (p.Asp2437Asn)

Genes: VCAN (versican; plus strand), VCAN-AS1 (VCAN antisense RNA 1; minus strand). Cytogenetic location: 5q14.3.
Variant type: single nucleotide variant.
Coding change: c.7309G>A on transcript NM_004385.5 (MANE Select); coding-DNA position 7309, G replaced by A.
Protein change: p.Asp2437Asn; replaces aspartic acid 2437 with asparagine.
Molecular consequence: missense variant. On other transcripts: intron variant (2).
Genome position (GRCh38, 1-based): chr5:83,540,312, G>A. VCF-style: chr5-83540312-G-A. GRCh37 (hg19) VCF-style: chr5-82836131-G-A.
Other names: c.4348G>A, p.Asp1450Asn (NM_001164097.2); c.4004-5225G>A (NM_001164098.2); c.1043-5225G>A (NM_001126336.3); short protein forms D1450N, D2437N.
Identifiers: ClinVar variation 1716886 (VCV001716886.5), dbSNP rs2479117914, ClinGen allele CA360314465.

ClinVar aggregate classification (germline): Uncertain significance (1 of 4 stars; one submission).

Submission:

Labcorp Genetics (formerly Invitae), Labcorp
Classification: Uncertain significance. Last evaluated: 2022-08-19. Review status: criteria provided, single submitter. Criteria: Invitae Variant Classification Sherloc (09022015). Collection method: clinical testing. Allele origin: germline.
Comment: In summary, the available evidence is currently insufficient to determine the role of this variant in disease. Therefore, it has been classified as a Variant of Uncertain Significance. Algorithms developed to predict the effect of missense changes on protein structure and function are either unavailable or do not agree on the potential impact of this missense change (SIFT: "Deleterious"; PolyPhen-2: "Probably Damaging"; Align-GVGD: "Class C15"). This variant has not been reported in the literature in individuals affected with VCAN-related conditions. This variant is not present in population databases (gnomAD no frequency). This sequence change replaces aspartic acid, which is acidic and polar, with asparagine, which is neutral and polar, at codon 2437 of the VCAN protein (p.Asp2437Asn).